The following is an entry in ClinVar:

ClinVar aggregate classification (germline): Uncertain significance (1 of 4 stars; one submission).

Allele frequency attached by ClinVar (database versions not stated): TOPMed 0.00001.
gnomAD v4.1: 6 of 1,613,672 alleles (0.00037%); highest among the groups gnomAD compares: Non-Finnish European, 0.00051%; no homozygotes.

Submission:

Labcorp Genetics (formerly Invitae), Labcorp
Classification: Uncertain significance. Last evaluated: 2022-03-12. Review status: criteria provided, single submitter. Criteria: Invitae Variant Classification Sherloc (09022015). Collection method: clinical testing. Allele origin: germline.
Comment: In summary, the available evidence is currently insufficient to determine the role of this variant in disease. Therefore, it has been classified as a Variant of Uncertain Significance. Algorithms developed to predict the effect of missense changes on protein structure and function are either unavailable or do not agree on the potential impact of this missense change (SIFT: "Not Available"; PolyPhen-2: "Benign"; Align-GVGD: "Not Available"). This variant has not been reported in the literature in individuals affected with SEC24D-related conditions. This variant is present in population databases (no rsID available, gnomAD 0.0009%). This sequence change replaces glutamine, which is neutral and polar, with lysine, which is basic and polar, at codon 101 of the SEC24D protein (p.Gln101Lys).

NM_014822.4(SEC24D):c.301C>A (p.Gln101Lys)

Gene: SEC24D (SEC24 homolog D, COPII component; minus strand). Cytogenetic location: 4q26.
Variant type: single nucleotide variant.
Coding change: c.301C>A on transcript NM_014822.4 (MANE Select); coding-DNA position 301, C replaced by A.
Protein change: p.Gln101Lys; replaces glutamine 101 with lysine.
Molecular consequence: missense variant.
Genome position (GRCh38, 1-based): chr4:118,817,360, G>T on the plus strand (C>A on the coding strand, the complement: SEC24D is on the minus strand). VCF-style: chr4-118817360-G-T. GRCh37 (hg19) VCF-style: chr4-119738515-G-T.
Other names: c.301C>A, p.Gln101Lys (NM_001318066.2); short protein forms Q101K.
Identifiers: ClinVar variation 1958157 (VCV001958157.5), dbSNP rs1318499913, ClinGen allele CA358016464.